The following is an entry in ClinVar:

ClinVar aggregate classification (germline): Uncertain significance. Review status: criteria provided, multiple submitters, no conflicts (2 of 4 stars). 2 submissions from 2 submitters: Uncertain significance (2). Last evaluated 2025-11-03.

Conditions:
Inborn genetic diseases. Identifiers: MedGen C0950123, MeSH D030342.

Allele frequency attached by ClinVar (database versions not stated): gnomAD 0.00001; TOPMed 0.00001; gnomAD exomes 0.00002; ExAC 0.00003; ESP Exome Variant Server 0.00008.
gnomAD v4.1: 34 of 1,613,074 alleles (0.0021%); highest among the groups gnomAD compares: African/African-American, 0.0027%; no homozygotes.

Submissions (2):

Labcorp Genetics (formerly Invitae), Labcorp
Classification: Uncertain significance. Last evaluated: 2025-11-03. Review status: criteria provided, single submitter. Criteria: Invitae Variant Classification Sherloc (09022015). Collection method: clinical testing. Allele origin: germline.
Comment: This sequence change replaces arginine, which is basic and polar, with cysteine, which is neutral and slightly polar, at codon 2067 of the DCHS1 protein (p.Arg2067Cys). This variant is present in population databases (rs368032944, gnomAD 0.01%). This variant has not been reported in the literature in individuals affected with DCHS1-related conditions. ClinVar contains an entry for this variant (Variation ID: 2334570). Invitae Evidence Modeling of protein sequence and biophysical properties (such as structural, functional, and spatial information, amino acid conservation, physicochemical variation, residue mobility, and thermodynamic stability) indicates that this missense variant is not expected to disrupt DCHS1 protein function with a negative predictive value of 80%. In summary, the available evidence is currently insufficient to determine the role of this variant in disease. Therefore, it has been classified as a Variant of Uncertain Significance.

Ambry Genetics
Classification: Uncertain significance for Inborn genetic diseases. Last evaluated: 2025-03-06. Review status: criteria provided, single submitter. Criteria: Ambry Variant Classification Scheme 2023. Collection method: clinical testing. Allele origin: germline.

NM_003737.4(DCHS1):c.6199C>T (p.Arg2067Cys)

Gene: DCHS1 (dachsous cadherin-related 1; minus strand). Cytogenetic location: 11p15.4.
Variant type: single nucleotide variant.
Coding change: c.6199C>T on transcript NM_003737.4 (MANE Select); coding-DNA position 6199, C replaced by T.
Protein change: p.Arg2067Cys; replaces arginine 2067 with cysteine.
Molecular consequence: missense variant.
Genome position (GRCh38, 1-based): chr11:6,626,840, G>A on the plus strand (C>T on the coding strand, the complement: DCHS1 is on the minus strand). VCF-style: chr11-6626840-G-A. GRCh37 (hg19) VCF-style: chr11-6648071-G-A.
Other names: short protein forms R2067C.
Identifiers: ClinVar variation 2334570 (VCV002334570.4), dbSNP rs368032944, ClinGen allele CA5859943.
Genomic context (GRCh38, chr11:6,626,840, plus strand): 5'-GGGACCCACCTGGGGGCGCATTCTCACGAATCGTAGCCTCACTGCTAGCCCGGGGAAAGC[G>A]GGGTCCACGCTCAGCTTCCCCCTGCAGTCCAACAATGATCACACCAGTGGCAGAGCGAGC-3'
Protein context (NP_003728.1, residues 2057-2077): GLQGEAERGP[Arg2067Cys]FPRASSEATI